The following is an entry in ClinVar:

NM_001385125.1(OPN1SW):c.259_267del (p.Pro87_Phe89del)

Gene: OPN1SW (opsin 1, short wave sensitive; minus strand). Cytogenetic location: 7q32.1.
Variant type: Deletion.
Coding change: c.259_267del on transcript NM_001385125.1 (MANE Select); coding-DNA positions 259 to 267, 9 bases deleted (CCTGTCTTC; older notation c.259_267delCCTGTCTTC).
Protein change: p.Pro87_Phe89del.
Molecular consequence: inframe deletion.
Genome position (GRCh38, 1-based): chr7:128,775,515-128,775,523, GAAGACAGG deleted on the plus strand (CCTGTCTTC on the coding strand, the reverse complement: OPN1SW is on the minus strand); deleting any 9 consecutive bases within chr7:128,775,515-128,775,531 gives the same sequence; the c. name uses the placement nearest the transcript's 3' end. VCF-style (leftmost placement, unchanged base first): chr7-128775514-CGAAGACAGG-C. GRCh37 (hg19) VCF-style: chr7-128415568-CGAAGACAGG-C.
Identifiers: ClinVar variation 1011789 (VCV001011789.8), dbSNP rs1464470555, ClinGen allele CA578149865.

ClinVar aggregate classification (germline): Uncertain significance (1 of 4 stars; one submission).

Submission:

Labcorp Genetics (formerly Invitae), Labcorp
Classification: Uncertain significance. Last evaluated: 2023-11-18. Review status: criteria provided, single submitter. Criteria: Invitae Variant Classification Sherloc (09022015). Collection method: clinical testing. Allele origin: germline.
Comment: This variant, c.268_276del, results in the deletion of 3 amino acid(s) of the OPN1SW protein (p.Pro90_Phe92del), but otherwise preserves the integrity of the reading frame. This variant is present in population databases (no rsID available, gnomAD 0.0009%). This variant has not been reported in the literature in individuals affected with OPN1SW-related conditions. ClinVar contains an entry for this variant (Variation ID: 1011789). Experimental studies and prediction algorithms are not available or were not evaluated, and the functional significance of this variant is currently unknown. In summary, the available evidence is currently insufficient to determine the role of this variant in disease. Therefore, it has been classified as a Variant of Uncertain Significance.